The following is an entry in ClinVar:

ClinVar aggregate classification (germline): Uncertain significance. Review status: criteria provided, multiple submitters, no conflicts (2 of 4 stars). 5 submissions from 5 submitters: Uncertain significance (4). 1 of the submissions does not count toward it. Last evaluated 2025-11-20.

Conditions:
Hereditary cancer-predisposing syndrome. Also called: Neoplastic Syndromes, Hereditary; Hereditary Cancer Syndrome; Hereditary neoplastic syndrome; Tumor predisposition. Identifiers: Orphanet 140162, MedGen C0027672, MeSH D009386, MONDO:0015356.
Familial ovarian cancer. Identifiers: MedGen C5679802, MONDO:0016248.
Fanconi anemia complementation group J. Also called: BRIP1-Related Fanconi Anemia. Identifiers: Orphanet 84, MedGen C1836860, MONDO:0012187, OMIM 609054.
Familial cancer of breast. Also called: hereditary breast carcinoma; BREAST CANCER, FAMILIAL; Hereditary breast cancer. Identifiers: Orphanet 227535, MedGen C0346153, MONDO:0016419, OMIM 114480. Disease mechanism: loss of function.

Submissions (5):

Color Diagnostics, LLC DBA Color Health
Classification: Uncertain significance for Hereditary cancer-predisposing syndrome. Last evaluated: 2025-11-20. Review status: criteria provided, single submitter. Criteria: ACMG Guidelines, 2015. Collection method: clinical testing. Allele origin: germline.
Comment: This missense variant replaces glutamine with arginine at codon 143 of the BRIP1 protein. Computational prediction suggests that this variant may not impact protein structure and function. To our knowledge, functional studies have not been reported for this variant. This variant has not been reported in individuals affected with BRIP1-related disorders in the literature. This variant has not been identified in the general population by the Genome Aggregation Database (gnomAD). The available evidence is insufficient to determine the role of this variant in disease conclusively. Therefore, this variant is classified as a Variant of Uncertain Significance.

Labcorp Genetics (formerly Invitae), Labcorp
Classification: Uncertain significance for Familial cancer of breast; Fanconi anemia complementation group J. Last evaluated: 2025-08-18. Review status: criteria provided, single submitter. Criteria: Invitae Variant Classification Sherloc (09022015). Collection method: clinical testing. Allele origin: germline.
Comment: This sequence change replaces glutamine, which is neutral and polar, with arginine, which is basic and polar, at codon 143 of the BRIP1 protein (p.Gln143Arg). This variant is not present in population databases (gnomAD no frequency). This missense change has been observed in individual(s) with clinical features of BRIP1-related conditions (PMID: 34326862). ClinVar contains an entry for this variant (Variation ID: 824758). Invitae Evidence Modeling of protein sequence and biophysical properties (such as structural, functional, and spatial information, amino acid conservation, physicochemical variation, residue mobility, and thermodynamic stability) indicates that this missense variant is not expected to disrupt BRIP1 protein function with a negative predictive value of 95%. RNA analysis performed to evaluate the impact of this missense change on mRNA splicing indicates it does not significantly alter splicing (internal data). In summary, the available evidence is currently insufficient to determine the role of this variant in disease. Therefore, it has been classified as a Variant of Uncertain Significance.

Ambry Genetics
Classification: Uncertain significance for Hereditary cancer-predisposing syndrome. Last evaluated: 2023-12-27. Review status: criteria provided, single submitter. Criteria: Ambry Variant Classification Scheme 2023. Collection method: clinical testing. Allele origin: germline.
Comment: The p.Q143R variant (also known as c.428A>G), located in coding exon 4 of the BRIP1 gene, results from an A to G substitution at nucleotide position 428. The glutamine at codon 143 is replaced by arginine, an amino acid with highly similar properties. This amino acid position is well conserved in available vertebrate species. In addition, this alteration is predicted to be tolerated by in silico analysis. Since supporting evidence is limited at this time, the clinical significance of this alteration remains unclear.

GeneDx
Classification: Uncertain significance. Last evaluated: 2019-11-26. Review status: criteria provided, single submitter. Criteria: GeneDx Variant Classification Process June 2021. Collection method: clinical testing. Allele origin: germline. Affected: yes.
Comment: Not observed in large population cohorts (Lek 2016); In silico analysis, which includes protein predictors and evolutionary conservation, supports that this variant does not alter protein structure/function; Has not been previously published as pathogenic or benign to our knowledge

Department of Pathology and Laboratory Medicine, Sinai Health System
Classification: Uncertain significance for Familial ovarian cancer. Review status: no assertion criteria provided. Collection method: clinical testing. Allele origin: unknown. Affected: yes. Study: The Canadian Open Genetics Repository (COGR). Not counted in ClinVar's aggregate classification.
Comment: The BRIP1 p.Gln143Arg variant was not identified in the literature nor was it identified in dbSNP, ClinVar, the Exome Aggregation Consortium (August 8th 2016) or the Genome Aggregation Database (Feb 27, 2017). The p.Gln143Arg residue is not conserved in mammals and four out of five computational analyses (PolyPhen-2, SIFT, AlignGVGD, BLOSUM, MutationTaster) do not suggest a high likelihood of impact to the protein; however, this information is not predictive enough to rule out pathogenicity. The variant occurs outside of the splicing consensus sequence and 1 of 4 in silico or computational prediction software programs (SpliceSiteFinder, MaxEntScan, NNSPLICE, GeneSplicer) predict a greater than 10% difference in splicing; this is not very predictive of pathogenicity. In summary, based on the above information, the clinical significance of this variant cannot be determined with certainty at this time. This variant is classified as a variant of uncertain significance.

Literature cited by the submitters: PubMed 34326862 (cited by Labcorp Genetics (formerly Invitae), Labcorp).

NM_032043.3(BRIP1):c.428A>G (p.Gln143Arg)

Gene: BRIP1 (BRCA1 interacting DNA helicase 1; minus strand). Cytogenetic location: 17q23.2.
Variant type: single nucleotide variant.
Coding change: c.428A>G on transcript NM_032043.3 (MANE Select); coding-DNA position 428, A replaced by G.
Protein change: p.Gln143Arg; replaces glutamine 143 with arginine.
Molecular consequence: missense variant.
Genome position (GRCh38, 1-based): chr17:61,849,208, T>C on the plus strand (A>G on the coding strand, the complement: BRIP1 is on the minus strand). VCF-style: chr17-61849208-T-C. GRCh37 (hg19) VCF-style: chr17-59926569-T-C.
Other names: short protein forms Q143R.
Identifiers: ClinVar variation 824758 (VCV000824758.20), dbSNP rs1603362656, ClinGen allele CA400484518.